The following is an entry in ClinVar:

NM_005045.4(RELN):c.7243C>G (p.Leu2415Val)

Gene: RELN (reelin; minus strand). Cytogenetic location: 7q22.1.
Variant type: single nucleotide variant.
Coding change: c.7243C>G on transcript NM_005045.4 (MANE Select); coding-DNA position 7243, C replaced by G.
Protein change: p.Leu2415Val; replaces leucine 2415 with valine.
Molecular consequence: missense variant.
Genome position (GRCh38, 1-based): chr7:103,535,422, G>C on the plus strand (C>G on the coding strand, the complement: RELN is on the minus strand). VCF-style: chr7-103535422-G-C. GRCh37 (hg19) VCF-style: chr7-103175869-G-C.
Other names: c.7243C>G, p.Leu2415Val (NM_173054.3); short protein forms L2415V.
Identifiers: ClinVar variation 2950790 (VCV002950790.3), dbSNP rs2484776683, ClinGen allele CA368768816.

ClinVar aggregate classification (germline): Uncertain significance (1 of 4 stars; one submission).

Conditions:
Norman-Roberts syndrome (LIS2). Also called: Lissencephaly 2 (Norman-Roberts type). Identifiers: Orphanet 89844, MedGen C0796089, MONDO:0009760, OMIM 257320.
Familial temporal lobe epilepsy 7. Identifiers: Orphanet 101046, MedGen C4225327, MONDO:0014639, OMIM 616436.

Submission:

Labcorp Genetics (formerly Invitae), Labcorp
Classification: Uncertain significance for Familial temporal lobe epilepsy 7; Norman-Roberts syndrome. Last evaluated: 2025-11-24. Review status: criteria provided, single submitter. Criteria: Invitae Variant Classification Sherloc (09022015). Collection method: clinical testing. Allele origin: germline.
Comment: This sequence change replaces leucine, which is neutral and non-polar, with valine, which is neutral and non-polar, at codon 2415 of the RELN protein (p.Leu2415Val). This variant is not present in population databases (gnomAD no frequency). This variant has not been reported in the literature in individuals affected with RELN-related conditions. ClinVar contains an entry for this variant (Variation ID: 2950790). Invitae Evidence Modeling of protein sequence and biophysical properties (such as structural, functional, and spatial information, amino acid conservation, physicochemical variation, residue mobility, and thermodynamic stability) indicates that this missense variant is not expected to disrupt RELN protein function with a negative predictive value of 80%. In summary, the available evidence is currently insufficient to determine the role of this variant in disease. Therefore, it has been classified as a Variant of Uncertain Significance.